The following is an entry in ClinVar:

ClinVar aggregate classification (germline): not provided (0 of 4 stars; one submission).

Allele frequency attached by ClinVar (database versions not stated): ExAC 0.00106; 1000 Genomes Project 0.00499; 1000 Genomes Project 30x 0.00578; gnomAD 0.00816 and 0.00906; TOPMed 0.00966.
gnomAD v4.1: 2,227 of 1,367,694 alleles (0.16%); highest among the groups gnomAD compares: African/African-American, 2.9%; 26 homozygotes.

Submission:

ITMI
No classification provided. Condition: AllHighlyPenetrant. Last evaluated: 2013-09-19. Review status: no classification provided. Collection method: reference population. Allele origin: germline.
Comment: Please see associated publication for description of ethnicities

Literature cited by the submitters: PubMed 24728327.

NM_003820.4(TNFRSF14):c.304+545C>T

Gene: TNFRSF14 (TNF receptor superfamily member 14; plus strand). Cytogenetic location: 1p36.32.
Variant type: single nucleotide variant.
Coding change: c.304+545C>T on transcript NM_003820.4 (MANE Select); 545 bases into the intron after coding-DNA position 304, C replaced by T.
Molecular consequence: intron variant.
Genome position (GRCh38, 1-based): chr1:2,559,013, C>T. VCF-style: chr1-2559013-C-T. GRCh37 (hg19) VCF-style: chr1-2490452-C-T.
Other names: c.304+545C>T (NM_001297605.2).
Identifiers: ClinVar variation 133394 (VCV000133394.1), dbSNP rs11573975, ClinGen allele CA156486.